The following is an entry in ClinVar:

NM_001366385.1(CARD14):c.764G>A (p.Ser255Asn)

Gene: CARD14 (caspase recruitment domain family member 14; plus strand). Cytogenetic location: 17q25.3.
Variant type: single nucleotide variant.
Coding change: c.764G>A on transcript NM_001366385.1 (MANE Select); coding-DNA position 764, G replaced by A.
Protein change: p.Ser255Asn; replaces serine 255 with asparagine.
Molecular consequence: missense variant. On other transcripts: non-coding transcript variant (1).
Genome position (GRCh38, 1-based): chr17:80,188,465, G>A. VCF-style: chr17-80188465-G-A. GRCh37 (hg19) VCF-style: chr17-78162264-G-A.
Other names: c.764G>A, p.Ser255Asn (NM_001257970.1, NM_024110.4); c.53G>A, p.Ser18Asn (NM_052819.3); short protein forms S18N, S255N.
Identifiers: ClinVar variation 2144916 (VCV002144916.4), dbSNP rs1350155996, ClinGen allele CA401341345.

ClinVar aggregate classification (germline): Uncertain significance (1 of 4 stars; one submission).

Conditions:
Psoriasis 2. Identifiers: MedGen C1864497, MONDO:0011269, OMIM 602723.
Pityriasis rubra pilaris (PRP). Also called: Pityriasis rubra pilaris--familial type. Identifiers: Orphanet 2897, MedGen C0032027, MONDO:0100017, OMIM 173200, MONDO:0008251.

Allele frequency attached by ClinVar (database versions not stated): gnomAD exomes below 0.00001; TOPMed below 0.00001; gnomAD 0.00001.
gnomAD v4.1: 3 of 1,599,636 alleles (0.00019%); highest among the groups gnomAD compares: African/African-American, 0.0027%; no homozygotes.

Submission:

Labcorp Genetics (formerly Invitae), Labcorp
Classification: Uncertain significance for Pityriasis rubra pilaris; Psoriasis 2. Last evaluated: 2025-05-06. Review status: criteria provided, single submitter. Criteria: Invitae Variant Classification Sherloc (09022015). Collection method: clinical testing. Allele origin: germline.
Comment: This sequence change replaces serine, which is neutral and polar, with asparagine, which is neutral and polar, at codon 255 of the CARD14 protein (p.Ser255Asn). This variant is not present in population databases (gnomAD no frequency). This variant has not been reported in the literature in individuals affected with CARD14-related conditions. ClinVar contains an entry for this variant (Variation ID: 2144916). Invitae Evidence Modeling of protein sequence and biophysical properties (such as structural, functional, and spatial information, amino acid conservation, physicochemical variation, residue mobility, and thermodynamic stability) indicates that this missense variant is not expected to disrupt CARD14 protein function with a negative predictive value of 95%. In summary, the available evidence is currently insufficient to determine the role of this variant in disease. Therefore, it has been classified as a Variant of Uncertain Significance.